The following is an entry in ClinVar:

ClinVar aggregate classification (germline): Uncertain significance (1 of 4 stars; one submission).

Conditions:
Glycogen storage disease due to muscle and heart glycogen synthase deficiency. Also called: GSD 0b; MUSCLE GLYCOGEN SYNTHASE DEFICIENCY. Identifiers: Orphanet 137625, MedGen C1969054, MONDO:0012693, OMIM 611556.

Allele frequency attached by ClinVar (database versions not stated): gnomAD exomes below 0.00001.
gnomAD v4.1: 6 of 1,584,110 alleles (0.00038%); highest among the groups gnomAD compares: Non-Finnish European, 0.00051%; no homozygotes.

Submission:

Labcorp Genetics (formerly Invitae), Labcorp
Classification: Uncertain significance for Glycogen storage disease due to muscle and heart glycogen synthase deficiency. Last evaluated: 2021-01-26. Review status: criteria provided, single submitter. Criteria: Invitae Variant Classification Sherloc (09022015). Collection method: clinical testing. Allele origin: germline.
Comment: In summary, the available evidence is currently insufficient to determine the role of this variant in disease. Therefore, it has been classified as a Variant of Uncertain Significance. Algorithms developed to predict the effect of missense changes on protein structure and function are either unavailable or do not agree on the potential impact of this missense change (SIFT: "Deleterious"; PolyPhen-2: "Not Available"; Align-GVGD: "Class C0"). This variant has not been reported in the literature in individuals with GYS1-related conditions. This variant is not present in population databases (ExAC no frequency). This sequence change replaces serine with asparagine at codon 723 of the GYS1 protein (p.Ser723Asn). The serine residue is weakly conserved and there is a small physicochemical difference between serine and asparagine.

NM_002103.5(GYS1):c.2168G>A (p.Ser723Asn)

Gene: GYS1 (glycogen synthase 1; minus strand). Cytogenetic location: 19q13.33.
Variant type: single nucleotide variant.
Coding change: c.2168G>A on transcript NM_002103.5 (MANE Select); coding-DNA position 2168, G replaced by A.
Protein change: p.Ser723Asn; replaces serine 723 with asparagine.
Molecular consequence: missense variant. On other transcripts: non-coding transcript variant (1).
Genome position (GRCh38, 1-based): chr19:48,969,334, C>T on the plus strand (G>A on the coding strand, the complement: GYS1 is on the minus strand). VCF-style: chr19-48969334-C-T. GRCh37 (hg19) VCF-style: chr19-49472591-C-T.
Other names: c.1976G>A, p.Ser659Asn (NM_001161587.2); short protein forms S659N, S723N.
Identifiers: ClinVar variation 1405187 (VCV001405187.8), dbSNP rs1468841188, ClinGen allele CA406759077.